The following is an entry in ClinVar:

NM_015046.7(SETX):c.2981A>G (p.Asp994Gly)

Gene: SETX (senataxin; minus strand). Cytogenetic location: 9q34.13.
Variant type: single nucleotide variant.
Coding change: c.2981A>G on transcript NM_015046.7 (MANE Select); coding-DNA position 2981, A replaced by G.
Protein change: p.Asp994Gly; replaces aspartic acid 994 with glycine.
Molecular consequence: missense variant.
Genome position (GRCh38, 1-based): chr9:132,328,617, T>C on the plus strand (A>G on the coding strand, the complement: SETX is on the minus strand). VCF-style: chr9-132328617-T-C. GRCh37 (hg19) VCF-style: chr9-135204004-T-C.
Other names: p.Asp994Gly; c.2981A>G, p.Asp994Gly (NM_001351527.2, NM_001351528.2); short protein forms D994G.
Identifiers: ClinVar variation 704211 (VCV000704211.43), dbSNP rs149546633, ClinGen allele CA5297506.
Genomic context (GRCh38, chr9:132,328,617, plus strand): 5'-ATAACCTGTCCACGGGAGGTATCTCCAACATTATTTTGGTTAGCTGTGAAACATCTTTTA[T>C]CTTCTTTTACTTTCCTTTGCAGCTGCGATGAGTTCTGAGGTGAATCGGATGGGAACGTAA-3'
Protein context (NP_055861.3, residues 984-1004): SSQLQRKVKE[Asp994Gly]KRCFTANQNN

ClinVar aggregate classification (germline): Benign/Likely benign. Review status: criteria provided, multiple submitters, no conflicts (2 of 4 stars). 11 submissions from 10 submitters: Benign (1); Likely benign (9). 1 of the submissions does not count toward it. Last evaluated 2026-09-01.

Conditions:
Amyotrophic lateral sclerosis type 4 (ALS4). Also called: NEURONOPATHY, DISTAL HEREDITARY MOTOR, WITH PYRAMIDAL FEATURES; AMYOTROPHIC LATERAL SCLEROSIS 4, JUVENILE. Identifiers: Orphanet 357043, MedGen C1865409, MONDO:0011223, OMIM 602433.
Spinocerebellar ataxia, autosomal recessive, with axonal neuropathy 2 (SCAN2). Also called: Ataxia-ocular apraxia-2; Ataxia with Oculomotor Apraxia Type 2; ATAXIA-OCULOMOTOR APRAXIA 2; Ataxia with Oculomotor Apraxia. Identifiers: Orphanet 64753, MedGen C1853761, MONDO:0018996, OMIM 606002.
SETX-related disorder. Also called: SETX-related condition; SETX-related disorders. Identifiers: MedGen CN239403.
Inborn genetic diseases. Identifiers: MedGen C0950123, MeSH D030342.

Allele frequency attached by ClinVar (database versions not stated): ExAC 0.00058; 1000 Genomes Project 0.00160; 1000 Genomes Project 30x 0.00187; gnomAD 0.00202 and 0.00216; ESP Exome Variant Server 0.00208; TOPMed 0.00209.
gnomAD v4.1: 601 of 1,613,646 alleles (0.037%); highest among the groups gnomAD compares: African/African-American, 0.7%; 3 homozygotes.

Submissions (11):

CeGaT Center for Human Genetics Tuebingen
Classification: Likely benign. Last evaluated: 2026-09-01. Review status: criteria provided, single submitter. Criteria: CeGaT Center For Human Genetics Tuebingen Variant Classification Criteria Version 2. Collection method: clinical testing. Allele origin: germline. Affected: yes. Observed: 4 variant alleles.
Comment: SETX: BP4

Women's Health and Genetics/Laboratory Corporation of America, LabCorp
Classification: Likely benign. Last evaluated: 2026-05-05. Review status: criteria provided, single submitter. Criteria: LabCorp Variant Classification Summary - May 2015. Collection method: clinical testing. Allele origin: germline.
Comment: Variant summary: SETX c.2981A>G (p.Asp994Gly) results in a non-conservative amino acid change in the encoded protein sequence. Algorithms developed to predict the effect of missense changes on protein structure and function are either unavailable or do not agree on the potential impact of this missense change. The variant allele was found at a frequency of 0.00049 in 250564 control chromosomes, predominantly at a frequency of 0.0065 within the African or African-American subpopulation in the gnomAD database. The observed variant frequency within African or African-American control individuals in the gnomAD database exceeds the estimated maximal expected allele frequency for disease-causing variants in SETX. c.2981A>G has been observed in a sporadic case with Amyotrophic lateral sclerosis without clear evidence for causality (Cady_2015). These report(s) do not provide unequivocal conclusions about association of the variant with Spinocerebellar ataxia, autosomal recessive, with axonal neuropathy 2. To our knowledge, no experimental evidence demonstrating an impact on protein function has been reported. The following publication have been ascertained in the context of this evaluation (PMID: 25382069). ClinVar contains an entry for this variant (Variation ID: 704211). Based on the evidence outlined above, the variant was classified as likely benign.

Labcorp Genetics (formerly Invitae), Labcorp
Classification: Likely benign for Amyotrophic lateral sclerosis type 4; Spinocerebellar ataxia, autosomal recessive, with axonal neuropathy 2. Last evaluated: 2025-10-01. Review status: criteria provided, single submitter. Criteria: Invitae Variant Classification Sherloc (09022015). Collection method: clinical testing. Allele origin: germline.

Athena Diagnostics
Classification: Benign. Last evaluated: 2025-07-28. Review status: criteria provided, single submitter. Criteria: Athena Diagnostics Criteria. Collection method: clinical testing. Allele origin: unknown.
Comment: The frequency of this variant in the general population is higher than would generally be expected for pathogenic variants in this gene.

Mayo Clinic Laboratories, Mayo Clinic
Classification: Likely benign. Last evaluated: 2025-03-18. Review status: criteria provided, single submitter. Criteria: ACMG Guidelines, 2015. Collection method: clinical testing. Allele origin: germline. Observed: 2 variant alleles.
Comment: BS1, BP4

Genome-Nilou Lab
Classification: Likely benign for Spinocerebellar ataxia, autosomal recessive, with axonal neuropathy 2. Last evaluated: 2023-02-08. Review status: criteria provided, single submitter. Criteria: ACMG Guidelines, 2015. Collection method: clinical testing. Allele origin: germline.

Genome-Nilou Lab
Classification: Likely benign for Amyotrophic lateral sclerosis type 4. Last evaluated: 2023-02-08. Review status: criteria provided, single submitter. Criteria: ACMG Guidelines, 2015. Collection method: clinical testing. Allele origin: germline.

GeneDx
Classification: Likely benign. Last evaluated: 2021-03-05. Review status: criteria provided, single submitter. Criteria: GeneDx Variant Classification Process June 2021. Collection method: clinical testing. Allele origin: germline. Affected: yes.
Comment: In silico analysis, which includes splice predictors and evolutionary conservation, suggests this variant may impact gene splicing. In the absence of RNA/functional studies, the actual effect of this sequence change is unknown.; Previously reported in an individual with apparently sporadic ALS; however the variant was also observed in 1/613 healthy controls (Cady et al., 2015; Morgan et al., 2017); This variant is associated with the following publications: (PMID: 28430856, 25382069)

Ambry Genetics
Classification: Likely benign for Inborn genetic diseases. Last evaluated: 2019-11-14. Review status: criteria provided, single submitter. Criteria: Ambry Variant Classification Scheme 2023. Collection method: clinical testing. Allele origin: germline.

Breakthrough Genomics
Classification: Likely benign. Review status: criteria provided, single submitter. Criteria: ACMG Guidelines, 2015. Collection method: not provided. Allele origin: germline. Inheritance: Autosomal recessive inheritance. Affected: yes.

PreventionGenetics, part of Exact Sciences
Classification: Likely benign for SETX-related condition. Last evaluated: 2019-06-24. Review status: no assertion criteria provided. Collection method: clinical testing. Allele origin: germline. Not counted in ClinVar's aggregate classification.
Comment: This variant is classified as likely benign based on ACMG/AMP sequence variant interpretation guidelines (Richards et al. 2015 PMID: 25741868, with internal and published modifications).

Literature cited by the submitters: PubMed 25382069 (cited by Women's Health and Genetics/Laboratory Corporation of America, LabCorp and Mayo Clinic Laboratories, Mayo Clinic); PubMed 28430856 (cited by Mayo Clinic Laboratories, Mayo Clinic).